The following is an entry in ClinVar:

ClinVar aggregate classification (germline): Conflicting classifications of pathogenicity. Review status: criteria provided, conflicting classifications (1 of 4 stars). 7 submissions from 7 submitters: Uncertain significance (2); Likely benign (4). 1 of the submissions does not count toward it. Last evaluated 2026-01-20.

Conditions:
PCNT-related disorder. Also called: PCNT-related condition.
Microcephalic osteodysplastic primordial dwarfism type II (MOPD2). Also called: Microcephalic osteodysplastic primordial dwarfism with tooth abnormalities; MOPD II; OSTEODYSPLASTIC PRIMORDIAL DWARFISM, TYPE II. Identifiers: Orphanet 2637, MedGen C0432246, MONDO:0008872, OMIM 210720.

Allele frequency attached by ClinVar (database versions not stated): 1000 Genomes Project 0.00040; 1000 Genomes Project 30x 0.00047; gnomAD exomes 0.00047 and 0.00083; ExAC 0.00048; TOPMed 0.00059; gnomAD 0.00066 and 0.00068; ESP Exome Variant Server 0.00085.
gnomAD v4.1: 1,306 of 1,613,920 alleles (0.081%); highest among the groups gnomAD compares: Non-Finnish European, 0.11%; no homozygotes.

Submissions (7):

Labcorp Genetics (formerly Invitae), Labcorp
Classification: Likely benign. Last evaluated: 2026-01-20. Review status: criteria provided, single submitter. Criteria: Invitae Variant Classification Sherloc (09022015). Collection method: clinical testing. Allele origin: germline.

CeGaT Center for Human Genetics Tuebingen
Classification: Likely benign. Last evaluated: 2025-05-01. Review status: criteria provided, single submitter. Criteria: CeGaT Center For Human Genetics Tuebingen Variant Classification Criteria Version 2. Collection method: clinical testing. Allele origin: germline. Affected: yes. Observed: 1 variant allele.
Comment: PCNT: BP4, BP7

Blueprint Genetics
Classification: Likely benign. Last evaluated: 2024-10-18. Review status: criteria provided, single submitter. Criteria: ACMG Guidelines, 2015. Collection method: clinical testing. Allele origin: germline.

Illumina Laboratory Services, Illumina
Classification: Uncertain significance for Microcephalic osteodysplastic primordial dwarfism type II. Last evaluated: 2018-01-12. Review status: criteria provided, single submitter. Criteria: ICSL Variant Classification Criteria 13 December 2019. Collection method: clinical testing. Allele origin: germline.

GeneDx
Classification: Likely benign. Last evaluated: 2016-12-19. Review status: criteria provided, single submitter. Criteria: GeneDx Variant Classification (06012015). Collection method: clinical testing. Allele origin: germline. Affected: yes.
Comment: This variant is considered likely benign or benign based on one or more of the following criteria: it is a conservative change, it occurs at a poorly conserved position in the protein, it is predicted to be benign by multiple in silico algorithms, and/or has population frequency not consistent with disease.

Genetic Services Laboratory, University of Chicago
Classification: Uncertain significance. Last evaluated: 2015-02-02. Review status: criteria provided, single submitter. Criteria: ACMG Guidelines, 2015. Collection method: clinical testing. Allele origin: germline.

PreventionGenetics, part of Exact Sciences
Classification: Likely benign for PCNT-related condition. Last evaluated: 2021-07-30. Review status: no assertion criteria provided. Collection method: clinical testing. Allele origin: germline. Not counted in ClinVar's aggregate classification.
Comment: This variant is classified as likely benign based on ACMG/AMP sequence variant interpretation guidelines (Richards et al. 2015 PMID: 25741868, with internal and published modifications).

NM_006031.6(PCNT):c.7332C>T (p.Thr2444=)

Gene: PCNT (pericentrin; plus strand). Cytogenetic location: 21q22.3.
Variant type: single nucleotide variant.
Coding change: c.7332C>T on transcript NM_006031.6 (MANE Select); coding-DNA position 7332, C replaced by T.
Protein change: p.Thr2444=; no amino-acid change (threonine 2444 retained).
Molecular consequence: synonymous variant.
Genome position (GRCh38, 1-based): chr21:46,427,633, C>T. VCF-style: chr21-46427633-C-T. GRCh37 (hg19) VCF-style: chr21-47847547-C-T.
Other names: c.6978C>T, p.Thr2326= (NM_001315529.2).
Identifiers: ClinVar variation 211879 (VCV000211879.27), dbSNP rs150882711, ClinGen allele CA208439.
Genomic context (GRCh38, chr21:46,427,633, plus strand): 5'-GATGCAGGTGCATTTGTGAGGACGCCACGTTTCTTCCTTCTTCCTTTAGGAAGTGCCCAC[C>T]GCGTGCCCCGATTGGAGAGGGGACCTTCTGCAGGTTGTGCAAGAGGCCTTTGAAAAAGAG-3'
Protein context (NP_006022.3, residues 2434-2454): LHGGKTQEVP[Thr2444=]ACPDWRGDLL